The following is an entry in ClinVar:

ClinVar aggregate classification (germline): Uncertain significance. Review status: criteria provided, multiple submitters, no conflicts (2 of 4 stars). 2 submissions from 2 submitters: Uncertain significance (2). Last evaluated 2025-03-27.

Allele frequency attached by ClinVar (database versions not stated): gnomAD 0.00003 and 0.00004; TOPMed 0.00003; gnomAD exomes 0.00006 and 0.00015; ExAC 0.00018; 1000 Genomes Project 30x 0.00031; 1000 Genomes Project 0.00040.

Submissions (2):

Labcorp Genetics (formerly Invitae), Labcorp
Classification: Uncertain significance. Last evaluated: 2025-03-27. Review status: criteria provided, single submitter. Criteria: Invitae Variant Classification Sherloc (09022015). Collection method: clinical testing. Allele origin: germline.
Comment: This sequence change replaces proline, which is neutral and non-polar, with serine, which is neutral and polar, at codon 227 of the TNFRSF9 protein (p.Pro227Ser). This variant is present in population databases (rs533883433, gnomAD 0.06%). This variant has not been reported in the literature in individuals affected with TNFRSF9-related conditions. ClinVar contains an entry for this variant (Variation ID: 1429363). An algorithm developed to predict the effect of missense changes on protein structure and function (PolyPhen-2) suggests that this variant is likely to be tolerated. In summary, the available evidence is currently insufficient to determine the role of this variant in disease. Therefore, it has been classified as a Variant of Uncertain Significance.

Blueprint Genetics
Classification: Uncertain significance. Last evaluated: 2023-07-03. Review status: criteria provided, single submitter. Criteria: ACMG Guidelines, 2015. Collection method: clinical testing. Allele origin: germline.

NM_001561.6(TNFRSF9):c.679C>T (p.Pro227Ser)

Gene: TNFRSF9 (TNF receptor superfamily member 9; minus strand). Cytogenetic location: 1p36.23.
Variant type: single nucleotide variant.
Coding change: c.679C>T on transcript NM_001561.6 (MANE Select); coding-DNA position 679, C replaced by T.
Protein change: p.Pro227Ser; replaces proline 227 with serine.
Molecular consequence: missense variant.
Genome position (GRCh38, 1-based): chr1:7,933,162, G>A on the plus strand (C>T on the coding strand, the complement: TNFRSF9 is on the minus strand). VCF-style: chr1-7933162-G-A. GRCh37 (hg19) VCF-style: chr1-7993222-G-A.
Other names: short protein forms P227S.
Identifiers: ClinVar variation 1429363 (VCV001429363.5), dbSNP rs533883433, ClinGen allele CA569143.